The following is an entry in ClinVar:

NM_004341.5(CAD):c.3788T>C (p.Val1263Ala)

Gene: CAD (carbamoyl-phosphate synthetase 2, aspartate transcarbamylase, and dihydroorotase; plus strand). Cytogenetic location: 2p23.3.
Variant type: single nucleotide variant.
Coding change: c.3788T>C on transcript NM_004341.5 (MANE Select); coding-DNA position 3788, T replaced by C.
Protein change: p.Val1263Ala; replaces valine 1263 with alanine.
Molecular consequence: missense variant.
Genome position (GRCh38, 1-based): chr2:27,235,246, T>C. VCF-style: chr2-27235246-T-C. GRCh37 (hg19) VCF-style: chr2-27458114-T-C.
Other names: c.3599T>C, p.Val1200Ala (NM_001306079.2); short protein forms V1200A, V1263A.
Identifiers: ClinVar variation 1348919 (VCV001348919.5), dbSNP rs2148081768, ClinGen allele CA346216746.

ClinVar aggregate classification (germline): Uncertain significance (1 of 4 stars; one submission).

gnomAD v4.1: 2 of 1,603,614 alleles (0.00012%); highest among the groups gnomAD compares: Non-Finnish European, 0.00017%; no homozygotes.

Submission:

Labcorp Genetics (formerly Invitae), Labcorp
Classification: Uncertain significance. Last evaluated: 2021-09-15. Review status: criteria provided, single submitter. Criteria: Invitae Variant Classification Sherloc (09022015). Collection method: clinical testing. Allele origin: germline.
Comment: In summary, the available evidence is currently insufficient to determine the role of this variant in disease. Therefore, it has been classified as a Variant of Uncertain Significance. Algorithms developed to predict the effect of missense changes on protein structure and function (SIFT, PolyPhen-2, Align-GVGD) all suggest that this variant is likely to be disruptive. This variant has not been reported in the literature in individuals affected with CAD-related conditions. This variant is not present in population databases (ExAC no frequency). This sequence change replaces valine with alanine at codon 1263 of the CAD protein (p.Val1263Ala). The valine residue is highly conserved and there is a small physicochemical difference between valine and alanine.